The following is an entry in ClinVar:

ClinVar aggregate classification (germline): Uncertain significance (1 of 4 stars; one submission).

Submission:

CeGaT Center for Human Genetics Tuebingen
Classification: Uncertain significance. Last evaluated: 2026-07-01. Review status: criteria provided, single submitter. Criteria: CeGaT Center For Human Genetics Tuebingen Variant Classification Criteria Version 2. Collection method: clinical testing. Allele origin: germline. Affected: yes. Observed: 1 variant allele.
Comment: ITPR3: PM2, PP2

NM_002224.4(ITPR3):c.7621T>G (p.Cys2541Gly)

Gene: ITPR3 (inositol 1,4,5-trisphosphate receptor type 3; plus strand). Cytogenetic location: 6p21.31.
Variant type: single nucleotide variant.
Coding change: c.7621T>G on transcript NM_002224.4 (MANE Select); coding-DNA position 7621, T replaced by G.
Protein change: p.Cys2541Gly; replaces cysteine 2541 with glycine.
Molecular consequence: missense variant.
Genome position (GRCh38, 1-based): chr6:33,692,890, T>G. VCF-style: chr6-33692890-T-G. GRCh37 (hg19) VCF-style: chr6-33660667-T-G.
Other names: short protein forms C2541G.
Identifiers: ClinVar variation 5040105 (VCV005040105.1).
Genomic context (GRCh38, chr6:33,692,890, plus strand): 5'-GCTGACCTGCGTAGTGAGAAGCAGAAGAAGGAGGAGATTCTTAAGACGACATGCTTCATC[T>G]GTGGTGAGGGCTGCTTCCTGCTCTGTGGAGGCCGCAGCGGGGCTGGAACGTCATCTGATG-3'
Protein context (NP_002215.2, residues 2531-2551): EEILKTTCFI[Cys2541Gly]GLERDKFDNK